The following is an entry in ClinVar:

NM_000179.3(MSH6):c.3371dup (p.Asn1124fs)

Gene: MSH6 (mutS homolog 6; plus strand). Cytogenetic location: 2p16.3.
Variant type: Duplication.
Coding change: c.3371dup on transcript NM_000179.3 (MANE Select); coding-DNA position 3371, one base duplicated (A; older notation c.3371dupA).
Protein change: p.Asn1124fs; shifts the reading frame from asparagine 1124.
Molecular consequence: frameshift variant.
Genome position (GRCh38, 1-based): chr2:47,803,618, A duplicated; the last of 4 consecutive A bases (chr2:47,803,615-47,803,618); duplicating any one gives the same sequence. VCF-style (leftmost placement, unchanged base first): chr2-47803614-G-GA. GRCh37 (hg19) VCF-style: chr2-48030753-G-GA.
Other names: c.2981dup, p.Asn994fs (NM_001281492.2); c.2465dup, p.Asn822fs (NM_001281493.2, NM_001281494.2); c.3371dupA (NM_000179.2); short protein forms N994fs, N822fs, N1124fs.
Identifiers: ClinVar variation 548917 (VCV000548917.3), dbSNP rs1553331659, ClinGen allele CA658822263.

ClinVar aggregate classification (germline): Pathogenic. Review status: criteria provided, single submitter (1 of 4 stars). 2 submissions from 2 submitters: Pathogenic (1). 1 of the submissions does not count toward it. Last evaluated 2023-03-27.

Conditions:
Lynch syndrome 5 (LYNCH5). Also called: Colorectal cancer, hereditary nonpolyposis, type 5; Hereditary non-polyposis colorectal cancer, type 5. Identifiers: Orphanet 144, MedGen C1833477, MONDO:0013710, OMIM 614350. Disease mechanism: loss of function.

Submissions (2):

Myriad Genetics, Inc.
Classification: Pathogenic for Lynch syndrome 5. Last evaluated: 2023-03-27. Review status: criteria provided, single submitter. Criteria: Myriad Autosomal Dominant, Autosomal Recessive and X-Linked Classification Criteria (2023). Collection method: clinical testing. Allele origin: unknown.
Comment: This variant is considered pathogenic. This variant creates a frameshift predicted to result in premature protein truncation.

Counsyl
Classification: Likely pathogenic for Lynch syndrome 5. Last evaluated: 2018-05-23. Review status: no assertion criteria provided. Collection method: clinical testing. Allele origin: unknown. Not counted in ClinVar's aggregate classification.